The following is an entry in ClinVar:

ClinVar aggregate classification (germline): Uncertain significance (1 of 4 stars; one submission).

Allele frequency attached by ClinVar (database versions not stated): gnomAD exomes below 0.00001.
gnomAD v4.1: 1 of 1,507,154 alleles (0.000066%); highest among the groups gnomAD compares: African/African-American, 0.0014%; no homozygotes.

Submission:

Labcorp Genetics (formerly Invitae), Labcorp
Classification: Uncertain significance. Last evaluated: 2022-07-19. Review status: criteria provided, single submitter. Criteria: Invitae Variant Classification Sherloc (09022015). Collection method: clinical testing. Allele origin: germline.
Comment: This sequence change replaces glycine, which is neutral and non-polar, with glutamic acid, which is acidic and polar, at codon 601 of the COL18A1 protein (p.Gly601Glu). This variant is not present in population databases (gnomAD no frequency). This variant has not been reported in the literature in individuals affected with COL18A1-related conditions. ClinVar contains an entry for this variant (Variation ID: 1484218). Experimental studies and prediction algorithms are not available or were not evaluated, and the functional significance of this variant is currently unknown. In summary, the available evidence is currently insufficient to determine the role of this variant in disease. Therefore, it has been classified as a Variant of Uncertain Significance.

NM_001379500.1(COL18A1):c.1802G>A (p.Gly601Glu)

Gene: COL18A1 (collagen type XVIII alpha 1 chain; plus strand). Cytogenetic location: 21q22.3.
Variant type: single nucleotide variant.
Coding change: c.1802G>A on transcript NM_001379500.1 (MANE Select); coding-DNA position 1802, G replaced by A.
Protein change: p.Gly601Glu; replaces glycine 601 with glutamic acid.
Molecular consequence: missense variant.
Genome position (GRCh38, 1-based): chr21:45,486,961, G>A. VCF-style: chr21-45486961-G-A. GRCh37 (hg19) VCF-style: chr21-46906875-G-A.
Other names: c.2342G>A, p.Gly781Glu (NM_030582.4); c.3047G>A, p.Gly1016Glu (NM_130444.3); short protein forms G601E, G781E, G1016E.
Identifiers: ClinVar variation 1484218 (VCV001484218.3), dbSNP rs2145964859, ClinGen allele CA410496339.